The following is an entry in ClinVar:

ClinVar aggregate classification (germline): Uncertain significance (1 of 4 stars; one submission).

gnomAD v4.1: 6 of 1,614,028 alleles (0.00037%); highest among the groups gnomAD compares: African/African-American, 0.0027%; no homozygotes.

Submission:

Labcorp Genetics (formerly Invitae), Labcorp
Classification: Uncertain significance. Last evaluated: 2024-09-24. Review status: criteria provided, single submitter. Criteria: Invitae Variant Classification Sherloc (09022015). Collection method: clinical testing. Allele origin: germline.
Comment: This sequence change replaces proline, which is neutral and non-polar, with leucine, which is neutral and non-polar, at codon 798 of the MICAL1 protein (p.Pro798Leu). This variant is present in population databases (rs778292581, gnomAD 0.007%). This variant has not been reported in the literature in individuals affected with MICAL1-related conditions. An algorithm developed to predict the effect of missense changes on protein structure and function (PolyPhen-2) suggests that this variant is likely to be tolerated. In summary, the available evidence is currently insufficient to determine the role of this variant in disease. Therefore, it has been classified as a Variant of Uncertain Significance.

NM_022765.4(MICAL1):c.2336C>T (p.Pro779Leu)

Gene: MICAL1 (microtubule associated monooxygenase, calponin and LIM domain containing 1; minus strand). Cytogenetic location: 6q21.
Variant type: single nucleotide variant.
Coding change: c.2336C>T on transcript NM_022765.4 (MANE Select); coding-DNA position 2336, C replaced by T.
Protein change: p.Pro779Leu; replaces proline 779 with leucine.
Molecular consequence: missense variant.
Genome position (GRCh38, 1-based): chr6:109,446,381, G>A on the plus strand (C>T on the coding strand, the complement: MICAL1 is on the minus strand). VCF-style: chr6-109446381-G-A. GRCh37 (hg19) VCF-style: chr6-109767584-G-A.
Other names: c.2078C>T, p.Pro693Leu (NM_001159291.2); c.2393C>T, p.Pro798Leu (NM_001286613.2); short protein forms P693L, P779L, P798L.
Identifiers: ClinVar variation 3682078 (VCV003682078.2).